The following is an entry in ClinVar:

ClinVar aggregate classification (germline): Likely benign. Review status: criteria provided, single submitter (1 of 4 stars). 2 submissions from 2 submitters: Likely benign (1). 1 of the submissions does not count toward it. Last evaluated 2025-02-14.

Conditions:
MYH14-related disorder. Also called: MYH14-related condition.

Allele frequency attached by ClinVar (database versions not stated): gnomAD 0.00001; gnomAD exomes 0.00004 and 0.00008; TOPMed 0.00005; ExAC 0.00009.
gnomAD v4.1: 25 of 1,596,022 alleles (0.0016%); highest among the groups gnomAD compares: Admixed American, 0.044%; 1 homozygote.

Submissions (2):

Labcorp Genetics (formerly Invitae), Labcorp
Classification: Likely benign. Last evaluated: 2025-02-14. Review status: criteria provided, single submitter. Criteria: Invitae Variant Classification Sherloc (09022015). Collection method: clinical testing. Allele origin: germline.

PreventionGenetics, part of Exact Sciences
Classification: Likely benign for MYH14-related condition. Last evaluated: 2019-10-28. Review status: no assertion criteria provided. Collection method: clinical testing. Allele origin: germline. Not counted in ClinVar's aggregate classification.
Comment: This variant is classified as likely benign based on ACMG/AMP sequence variant interpretation guidelines (Richards et al. 2015 PMID: 25741868, with internal and published modifications).

NM_001145809.2(MYH14):c.5202G>A (p.Arg1734=)

Gene: MYH14 (myosin heavy chain 14; plus strand). Cytogenetic location: 19q13.33.
Variant type: single nucleotide variant.
Coding change: c.5202G>A on transcript NM_001145809.2 (MANE Select); coding-DNA position 5202, G replaced by A.
Protein change: p.Arg1734=; no amino-acid change (arginine 1734 retained).
Molecular consequence: synonymous variant.
Genome position (GRCh38, 1-based): chr19:50,292,335, G>A. VCF-style: chr19-50292335-G-A. GRCh37 (hg19) VCF-style: chr19-50795592-G-A.
Other names: c.5202G>A (NM_001145809.1); c.5103G>A, p.Arg1701= (NM_001077186.2); c.5079G>A, p.Arg1693= (NM_024729.4).
Identifiers: ClinVar variation 1611164 (VCV001611164.10), dbSNP rs768918317, ClinGen allele CA9593717.
Genomic context (GRCh38, chr19:50,292,335, plus strand): 5'-GCTATGGCGGGAGGTGGAGGAGACACGCACCTCCCGGGAGGAGATCTTCTCCCAGAATCG[G>A]GAAAGTGAAAAGCGCCTCAAGGGCCTGGAGGCTGAGGTGCTGCGGCTGCAGGAGGTGAGG-3'
Protein context (NP_001139281.1, residues 1724-1744): TSREEIFSQN[Arg1734=]ESEKRLKGLE